The following is an entry in ClinVar:

ClinVar aggregate classification (germline): Uncertain significance (1 of 4 stars; one submission).

Conditions:
Juvenile polyposis syndrome (JPS). Identifiers: Orphanet 2929, MedGen C0345893, MONDO:0017380, OMIM 174900.

Submission:

Labcorp Genetics (formerly Invitae), Labcorp
Classification: Uncertain significance for Juvenile polyposis syndrome. Last evaluated: 2022-11-15. Review status: criteria provided, single submitter. Criteria: Invitae Variant Classification Sherloc (09022015). Collection method: clinical testing. Allele origin: germline.
Comment: In summary, the available evidence is currently insufficient to determine the role of this variant in disease. Therefore, it has been classified as a Variant of Uncertain Significance. Experimental studies and prediction algorithms are not available or were not evaluated, and the functional significance of this variant is currently unknown. This variant has not been reported in the literature in individuals affected with BMPR1A-related conditions. This variant is not present in population databases (gnomAD no frequency). This sequence change creates a premature translational stop signal (p.Val525*) in the BMPR1A gene. While this is not anticipated to result in nonsense mediated decay, it is expected to disrupt the last 8 amino acid(s) of the BMPR1A protein.

NM_004329.3(BMPR1A):c.1573_1588del (p.Met524_Val525insTer)

Gene: BMPR1A (bone morphogenetic protein receptor type 1A; plus strand). Cytogenetic location: 10q23.2.
Variant type: Deletion.
Coding change: c.1573_1588del on transcript NM_004329.3 (MANE Select); coding-DNA positions 1573 to 1588, 16 bases deleted (GTTGAATCCCAAGATG).
Protein change: p.Met524_Val525insTer.
Molecular consequence: nonsense. On other transcripts: non-coding transcript variant (3).
Genome position (GRCh38, 1-based): chr10:86,923,693-86,923,708, GTTGAATCCCAAGATG deleted; deleting any 16 consecutive bases within chr10:86,923,685-86,923,708 gives the same sequence; the c. name uses the placement nearest the transcript's 3' end. VCF-style (leftmost placement, unchanged base first): chr10-86923684-GCCAAGATGGTTGAATC-G. GRCh37 (hg19) VCF-style: chr10-88683441-GCCAAGATGGTTGAATC-G.
Other names: c.1648_1663del, p.Met549_Val550insTer (NM_001406559.1); c.1621_1636del, p.Met540_Val541insTer (NM_001406560.1); c.1573_1588del, p.Met524_Val525insTer (NM_001406561.1, NM_001406562.1, NM_001406563.1 and 19 more transcripts); c.1567_1582del, p.Met522_Val523insTer (NM_001406583.1); c.1489_1504del, p.Met496_Val497insTer (NM_001406584.1, NM_001406585.1, NM_001406586.1 and 2 more transcripts); c.1231_1246del, p.Met410_Val411insTer (NM_001406589.1).
Identifiers: ClinVar variation 2814447 (VCV002814447.3), dbSNP rs2539652728, ClinGen allele CA2739275877.
Genomic context (GRCh38, chr10:86,923,684, plus strand): 5'-GAATGCTGGGCCCACAATCCAGCCTCCAGACTCACAGCATTGAGAATTAAGAAGACGCTT[GCCAAGATGGTTGAATC>G]CCAAGATGTAAAAATCTGATGGTTAAACCATCGGAGGAGAAACTCTAGACTGCAAGAACT-3'